The following is an entry in ClinVar:

NM_004211.5(SLC6A5):c.1691C>T (p.Ala564Val)

Gene: SLC6A5 (solute carrier family 6 member 5; plus strand). Cytogenetic location: 11p15.1.
Variant type: single nucleotide variant.
Coding change: c.1691C>T on transcript NM_004211.5 (MANE Select); coding-DNA position 1691, C replaced by T.
Protein change: p.Ala564Val; replaces alanine 564 with valine.
Molecular consequence: missense variant.
Genome position (GRCh38, 1-based): chr11:20,636,373, C>T. VCF-style: chr11-20636373-C-T. GRCh37 (hg19) VCF-style: chr11-20657919-C-T.
Other names: c.989C>T, p.Ala330Val (NM_001318369.2); short protein forms A330V, A564V.
Identifiers: ClinVar variation 1476268 (VCV001476268.8), dbSNP rs2133808511, ClinGen allele CA379917948.

ClinVar aggregate classification (germline): Uncertain significance (1 of 4 stars; one submission).

Conditions:
Hyperekplexia 3 (HKPX3). Also called: HYPEREKPLEXIA 3, AUTOSOMAL RECESSIVE; HYPEREKPLEXIA 3, AUTOSOMAL DOMINANT. Identifiers: Orphanet 3197, MedGen C3553288, MONDO:0013827, OMIM 614618.

Allele frequency attached by ClinVar (database versions not stated): gnomAD exomes below 0.00001.
gnomAD v4.1: 1 of 1,613,790 alleles (0.000062%); highest among the groups gnomAD compares: Non-Finnish European, 0.000085%; no homozygotes.

Submission:

Labcorp Genetics (formerly Invitae), Labcorp
Classification: Uncertain significance for Hyperekplexia 3. Last evaluated: 2021-03-26. Review status: criteria provided, single submitter. Criteria: Invitae Variant Classification Sherloc (09022015). Collection method: clinical testing. Allele origin: germline.
Comment: In summary, the available evidence is currently insufficient to determine the role of this variant in disease. Therefore, it has been classified as a Variant of Uncertain Significance. Advanced modeling of protein sequence and biophysical properties (such as structural, functional, and spatial information, amino acid conservation, physicochemical variation, residue mobility, and thermodynamic stability) performed at Invitae indicates that this missense variant is expected to disrupt SLC6A5 protein function. This variant has not been reported in the literature in individuals with SLC6A5-related conditions. This variant is not present in population databases (ExAC no frequency). This sequence change replaces alanine with valine at codon 564 of the SLC6A5 protein (p.Ala564Val). The alanine residue is highly conserved and there is a small physicochemical difference between alanine and valine.